The following is an entry in ClinVar:

ClinVar aggregate classification (germline): Pathogenic/Likely pathogenic. Review status: criteria provided, multiple submitters, no conflicts (2 of 4 stars). 2 submissions from 2 submitters: Pathogenic (1); Likely pathogenic (1). Last evaluated 2024-06-11.

Conditions:
ALG12-congenital disorder of glycosylation (CDG1G). Also called: CDG Ig; ALG12-CDG; Congenital disorder of glycosylation, type Ig. Identifiers: Orphanet 79324, MedGen C2931001, MONDO:0011783, OMIM 607143.

Submissions (2):

Fulgent Genetics
Classification: Likely pathogenic for ALG12-congenital disorder of glycosylation. Last evaluated: 2024-06-11. Review status: criteria provided, single submitter. Criteria: ACMG Guidelines, 2015. Collection method: clinical testing. Allele origin: germline.

Labcorp Genetics (formerly Invitae), Labcorp
Classification: Pathogenic for ALG12-congenital disorder of glycosylation. Last evaluated: 2023-10-16. Review status: criteria provided, single submitter. Criteria: Invitae Variant Classification Sherloc (09022015). Collection method: clinical testing. Allele origin: germline.
Comment: This sequence change creates a premature translational stop signal (p.Leu12Cysfs*9) in the ALG12 gene. It is expected to result in an absent or disrupted protein product. Loss-of-function variants in ALG12 are known to be pathogenic (PMID: 15639192, 31481313). This variant is present in population databases (no rsID available, gnomAD 0.003%). This premature translational stop signal has been observed in individual(s) with ALG12-congenital disorder of glycosylation (PMID: 15639192). This variant is also known as 29delG. ClinVar contains an entry for this variant (Variation ID: 2138458). Algorithms developed to predict the effect of sequence changes on RNA splicing suggest that this variant may disrupt the consensus splice site. For these reasons, this variant has been classified as Pathogenic.

Literature cited by the submitters: PubMed 15639192 (cited by Labcorp Genetics (formerly Invitae), Labcorp); PubMed 31481313 (cited by Labcorp Genetics (formerly Invitae), Labcorp).

NM_024105.4(ALG12):c.30del (p.Leu12fs)

Gene: ALG12 (ALG12 alpha-1,6-mannosyltransferase; minus strand). Cytogenetic location: 22q13.33.
Variant type: Deletion.
Coding change: c.30del on transcript NM_024105.4 (MANE Select); coding-DNA position 30, one base deleted (G; older notation c.30delG).
Protein change: p.Leu12fs; shifts the reading frame from leucine 12.
Molecular consequence: frameshift variant.
Genome position (GRCh38, 1-based): chr22:49,913,736, C deleted on the plus strand (G on the coding strand, the reverse complement: ALG12 is on the minus strand); the first of 2 consecutive C bases (chr22:49,913,736-49,913,737); deleting either gives the same sequence. VCF-style (leftmost placement, unchanged base first): chr22-49913735-GC-G. GRCh37 (hg19) VCF-style: chr22-50307383-GC-G.
Other names: short protein forms L12fs.
Identifiers: ClinVar variation 2138458 (VCV002138458.5), dbSNP rs1206413996, ClinGen allele CA640352311.